The following is an entry in ClinVar:

NM_000440.3(PDE6A):c.1300C>T (p.Pro434Ser)

Gene: PDE6A (phosphodiesterase 6A; minus strand). Cytogenetic location: 5q32.
Variant type: single nucleotide variant.
Coding change: c.1300C>T on transcript NM_000440.3 (MANE Select); coding-DNA position 1300, C replaced by T.
Protein change: p.Pro434Ser; replaces proline 434 with serine.
Molecular consequence: missense variant.
Genome position (GRCh38, 1-based): chr5:149,898,470, G>A on the plus strand (C>T on the coding strand, the complement: PDE6A is on the minus strand). VCF-style: chr5-149898470-G-A. GRCh37 (hg19) VCF-style: chr5-149278033-G-A.
Other names: short protein forms P434S.
Identifiers: ClinVar variation 943677 (VCV000943677.7), dbSNP rs754647492, ClinGen allele CA3504730.

ClinVar aggregate classification (germline): Uncertain significance (1 of 4 stars; one submission).

Allele frequency attached by ClinVar (database versions not stated): gnomAD exomes below 0.00001 and 0.00001; ExAC 0.00001; TOPMed 0.00001.
gnomAD v4.1: 5 of 1,613,680 alleles (0.00031%); highest among the groups gnomAD compares: South Asian, 0.0055%; no homozygotes.

Submission:

Labcorp Genetics (formerly Invitae), Labcorp
Classification: Uncertain significance. Last evaluated: 2024-12-09. Review status: criteria provided, single submitter. Criteria: Invitae Variant Classification Sherloc (09022015). Collection method: clinical testing. Allele origin: germline.
Comment: This sequence change replaces proline, which is neutral and non-polar, with serine, which is neutral and polar, at codon 434 of the PDE6A protein (p.Pro434Ser). This variant is present in population databases (rs754647492, gnomAD 0.01%). This variant has not been reported in the literature in individuals affected with PDE6A-related conditions. ClinVar contains an entry for this variant (Variation ID: 943677). Invitae Evidence Modeling of protein sequence and biophysical properties (such as structural, functional, and spatial information, amino acid conservation, physicochemical variation, residue mobility, and thermodynamic stability) indicates that this missense variant is not expected to disrupt PDE6A protein function with a negative predictive value of 95%. In summary, the available evidence is currently insufficient to determine the role of this variant in disease. Therefore, it has been classified as a Variant of Uncertain Significance.